The following is an entry in ClinVar:

ClinVar aggregate classification (germline): Benign (0 of 4 stars; one submission).

Conditions:
MUC16-related disorder. Also called: MUC16-related condition.

Allele frequency attached by ClinVar (database versions not stated): ESP Exome Variant Server 0.00193; gnomAD exomes 0.00670; gnomAD 0.00734; TOPMed 0.00921; ExAC 0.01464; 1000 Genomes Project 30x 0.03139; 1000 Genomes Project 0.03315.

Submission:

PreventionGenetics, part of Exact Sciences
Classification: Benign for MUC16-related condition. Last evaluated: 2019-09-30. Review status: no assertion criteria provided. Collection method: clinical testing. Allele origin: germline.
Comment: This variant is classified as benign based on ACMG/AMP sequence variant interpretation guidelines (Richards et al. 2015 PMID: 25741868, with internal and published modifications).

NM_001401501.2(MUC16):c.12545C>T (p.Pro4182Leu)

Gene: MUC16 (mucin 16, cell surface associated; minus strand). Cytogenetic location: 19p13.2.
Variant type: single nucleotide variant.
Coding change: c.12545C>T on transcript NM_001401501.2 (MANE Select); coding-DNA position 12545, C replaced by T.
Protein change: p.Pro4182Leu; replaces proline 4182 with leucine.
Molecular consequence: missense variant.
Genome position (GRCh38, 1-based): chr19:8,964,345, G>A on the plus strand (C>T on the coding strand, the complement: MUC16 is on the minus strand). VCF-style: chr19-8964345-G-A. GRCh37 (hg19) VCF-style: chr19-9075021-G-A.
Other names: c.12971C>T, p.Pro4324Leu (NM_001414686.1); c.12425C>T, p.Pro4142Leu (NM_001414687.1, NM_024690.2); short protein forms P4142L, P4182L, P4324L.
Identifiers: ClinVar variation 3055891 (VCV003055891.2), dbSNP rs17000819, ClinGen allele CA9171038.